The following is an entry in ClinVar:

NM_001353214.3(DYM):c.1727A>T (p.Tyr576Phe)

Gene: DYM (dymeclin; minus strand). Cytogenetic location: 18q21.1.
Variant type: single nucleotide variant.
Coding change: c.1727A>T on transcript NM_001353214.3 (MANE Select); coding-DNA position 1727, A replaced by T.
Protein change: p.Tyr576Phe; replaces tyrosine 576 with phenylalanine.
Molecular consequence: missense variant.
Genome position (GRCh38, 1-based): chr18:49,163,686, T>A on the plus strand (A>T on the coding strand, the complement: DYM is on the minus strand). VCF-style: chr18-49163686-T-A. GRCh37 (hg19) VCF-style: chr18-46690056-T-A.
Other names: c.1559A>T, p.Tyr520Phe (NM_001353210.3, NM_001353211.3, NM_001374435.1 and 1 more transcripts); c.1724A>T, p.Tyr575Phe (NM_001353212.3, NM_001353213.3); c.1727A>T, p.Tyr576Phe (NM_001353215.3, NM_001374428.1, NM_001374430.1 and 1 more transcripts); c.1562A>T, p.Tyr521Phe (NM_001353216.3, NM_017653.6, NM_001374433.1 and 1 more transcripts); c.1721A>T, p.Tyr574Phe (NM_001374429.1); c.1601A>T, p.Tyr534Phe (NM_001374432.1); c.989A>T, p.Tyr330Phe (NM_001374443.1); c.992A>T, p.Tyr331Phe (NM_001374444.1, NM_001374442.1); and 5 more; short protein forms Y331F, Y460F, Y520F, Y521F, Y330F, Y386F, Y445F, Y575F.
Identifiers: ClinVar variation 2105523 (VCV002105523.4), dbSNP rs2514904690, ClinGen allele CA402508928.
Genomic context (GRCh38, chr18:49,163,686, plus strand): 5'-GAGTTACTGTGCCTGGCTGAAAGGAAAATTTTTTATTGATGAATAAGGTAACTACTTACA[T>A]AATCTGGTAGAGGAACATCATTAGAACTCAGCGAACCTCTCAAGGACTGTGTGGCTTGTT-3'
Protein context (NP_001340143.1, residues 566-586): LSSNDVPLPD[Tyr576Phe]AQDLNVIEEV

ClinVar aggregate classification (germline): Uncertain significance (1 of 4 stars; one submission).

Submission:

Labcorp Genetics (formerly Invitae), Labcorp
Classification: Uncertain significance. Last evaluated: 2022-03-01. Review status: criteria provided, single submitter. Criteria: Invitae Variant Classification Sherloc (09022015). Collection method: clinical testing. Allele origin: germline.
Comment: This variant has not been reported in the literature in individuals affected with DYM-related conditions. In summary, the available evidence is currently insufficient to determine the role of this variant in disease. Therefore, it has been classified as a Variant of Uncertain Significance. Algorithms developed to predict the effect of missense changes on protein structure and function (SIFT, PolyPhen-2, Align-GVGD) all suggest that this variant is likely to be tolerated. This variant is not present in population databases (gnomAD no frequency). This sequence change replaces tyrosine, which is neutral and polar, with phenylalanine, which is neutral and non-polar, at codon 521 of the DYM protein (p.Tyr521Phe).